The following is an entry in ClinVar:

NM_002691.4(POLD1):c.1679T>C (p.Leu560Ser)

Gene: POLD1 (DNA polymerase delta 1, catalytic subunit; plus strand). Cytogenetic location: 19q13.33.
Variant type: single nucleotide variant.
Coding change: c.1679T>C on transcript NM_002691.4 (MANE Select); coding-DNA position 1679, T replaced by C.
Protein change: p.Leu560Ser; replaces leucine 560 with serine.
Molecular consequence: missense variant. On other transcripts: non-coding transcript variant (1).
Genome position (GRCh38, 1-based): chr19:50,407,167, T>C. VCF-style: chr19-50407167-T-C. GRCh37 (hg19) VCF-style: chr19-50910424-T-C.
Other names: c.1679T>C, p.Leu560Ser (NM_001256849.1, NM_001308632.1); short protein forms L560S.
Identifiers: ClinVar variation 1383996 (VCV001383996.6), dbSNP rs2122340605, ClinGen allele CA406981113.
Genomic context (GRCh38, chr19:50,407,167, plus strand): 5'-GCGTGCCCCTCAGCTACCTGCTCAGTCGTGGCCAGCAGGTCAAGGTCGTATCCCAGCTGT[T>C]GCGGCAGGTCAGTAGCCGAGACTTGTCCTCGCCACCCCCCACCAGGCACGTCTGTGGCCC-3'
Protein context (NP_002682.2, residues 550-570): GQQVKVVSQL[Leu560Ser]RQAMHEGLLM

ClinVar aggregate classification (germline): Uncertain significance (1 of 4 stars; one submission).

Conditions:
POLD1-related polyposis and colorectal cancer syndrome (CRCS10). Also called: Colorectal cancer, susceptibility to, 10; Colorectal cancer 10; COLORECTAL CANCER, SUSCEPTIBILITY TO, ON CHROMOSOME 19q. Identifiers: Orphanet 220460, MedGen C2675481, MONDO:0012953, OMIM 612591.

Submission:

Labcorp Genetics (formerly Invitae), Labcorp
Classification: Uncertain significance for POLD1-related polyposis and colorectal cancer syndrome. Last evaluated: 2021-10-01. Review status: criteria provided, single submitter. Criteria: Invitae Variant Classification Sherloc (09022015). Collection method: clinical testing. Allele origin: germline.
Comment: This variant is not present in population databases (ExAC no frequency). This sequence change replaces leucine with serine at codon 560 of the POLD1 protein (p.Leu560Ser). The leucine residue is highly conserved and there is a large physicochemical difference between leucine and serine. In summary, the available evidence is currently insufficient to determine the role of this variant in disease. Therefore, it has been classified as a Variant of Uncertain Significance. Algorithms developed to predict the effect of missense changes on protein structure and function (SIFT, PolyPhen-2, Align-GVGD) all suggest that this variant is likely to be disruptive. This variant has not been reported in the literature in individuals affected with POLD1-related conditions.